The following is an entry in ClinVar:

NM_000135.4(FANCA):c.2828C>T (p.Ala943Val)

Gene: FANCA (FA complementation group A; minus strand). Cytogenetic location: 16q24.3.
Variant type: single nucleotide variant.
Coding change: c.2828C>T on transcript NM_000135.4 (MANE Select); coding-DNA position 2828, C replaced by T.
Protein change: p.Ala943Val; replaces alanine 943 with valine.
Molecular consequence: missense variant.
Genome position (GRCh38, 1-based): chr16:89,761,973, G>A on the plus strand (C>T on the coding strand, the complement: FANCA is on the minus strand). VCF-style: chr16-89761973-G-A. GRCh37 (hg19) VCF-style: chr16-89828381-G-A.
Other names: c.2828C>T, p.Ala943Val (NM_001286167.3); short protein forms A943V.
Identifiers: ClinVar variation 2182136 (VCV002182136.3), dbSNP rs779851064, ClinGen allele CA8251489.
Genomic context (GRCh38, chr16:89,761,973, plus strand): 5'-TCATGCCTGGCCAGGGTAGCTCTTTTCAACACTTACCGTTCAGTATCTGAAAGAGCATCA[G>A]CTTCAGGTTGAATTTCCAGCTCCAGGTGTAACCAGTCTTGGTAAGTTAACTGAGAAAGAG-3'
Protein context (NP_000126.2, residues 933-953): LHLELEIQPE[Ala943Val]DALSDTERQD

ClinVar aggregate classification (germline): Conflicting classifications of pathogenicity. Review status: criteria provided, conflicting classifications (1 of 4 stars). 2 submissions from 2 submitters: Uncertain significance (1); Likely benign (1). Last evaluated 2024-12-04.

Conditions:
Fanconi anemia (FA). Also called: Fanconi's anemia. Identifiers: Orphanet 84, MedGen C0015625, MeSH D005199, MONDO:0019391.
Inborn genetic diseases. Identifiers: MedGen C0950123, MeSH D030342.

Allele frequency attached by ClinVar (database versions not stated): TOPMed below 0.00001; ExAC 0.00001.
gnomAD v4.1: 3 of 1,614,076 alleles (0.00019%); highest among the groups gnomAD compares: African/African-American, 0.0013%; no homozygotes.

Submissions (2):

Ambry Genetics
Classification: Likely benign for Inborn genetic diseases. Last evaluated: 2024-12-04. Review status: criteria provided, single submitter. Criteria: Ambry Variant Classification Scheme 2023. Collection method: clinical testing. Allele origin: germline.

Labcorp Genetics (formerly Invitae), Labcorp
Classification: Uncertain significance for Fanconi anemia. Last evaluated: 2022-06-04. Review status: criteria provided, single submitter. Criteria: Invitae Variant Classification Sherloc (09022015). Collection method: clinical testing. Allele origin: germline.
Comment: This sequence change replaces alanine, which is neutral and non-polar, with valine, which is neutral and non-polar, at codon 943 of the FANCA protein (p.Ala943Val). This variant is present in population databases (rs779851064, gnomAD 0.0009%). This variant has not been reported in the literature in individuals affected with FANCA-related conditions. Advanced modeling of protein sequence and biophysical properties (such as structural, functional, and spatial information, amino acid conservation, physicochemical variation, residue mobility, and thermodynamic stability) performed at Invitae indicates that this missense variant is not expected to disrupt FANCA protein function. In summary, the available evidence is currently insufficient to determine the role of this variant in disease. Therefore, it has been classified as a Variant of Uncertain Significance.